The following is an entry in ClinVar:

ClinVar aggregate classification (germline): Likely benign. Review status: criteria provided, multiple submitters, no conflicts (2 of 4 stars). 3 submissions from 3 submitters: Likely benign (3). Last evaluated 2026-03-05.

Conditions:
Familial thoracic aortic aneurysm and aortic dissection (TAAD). Also called: Thoracic aortic aneurysms and dissections. Identifiers: Orphanet 91387, MedGen C4707243, MONDO:0019625.
PLOD1-related disorder. Also called: PLOD1-related condition.
Ehlers-Danlos syndrome, kyphoscoliotic type 1 (EDSKSCL1). Also called: PLOD1-Related Kyphoscoliotic Ehlers-Danlos Syndrome; Ehlers-Danlos syndrome, hydroxylysine-deficient; EHLERS-DANLOS SYNDROME, TYPE VIA; EHLERS-DANLOS SYNDROME, OCULAR-SCOLIOTIC TYPE. Identifiers: Orphanet 1900, MedGen C0268342, MONDO:0016002, OMIM 225400. Disease mechanism: loss of function.

Allele frequency attached by ClinVar (database versions not stated): ExAC 0.00005; gnomAD exomes 0.00006; gnomAD 0.00009 and 0.00011; ESP Exome Variant Server 0.00015; 1000 Genomes Project 30x 0.00016; TOPMed 0.00018; 1000 Genomes Project 0.00020.
gnomAD v4.1: 37 of 1,607,666 alleles (0.0023%); highest among the groups gnomAD compares: African/African-American, 0.043%; no homozygotes.

Submissions (3):

PreventionGenetics, part of Exact Sciences
Classification: Likely benign for PLOD1-related condition. Last evaluated: 2026-03-05. Review status: criteria provided, single submitter. Criteria: ACMG Guidelines, 2015. Collection method: clinical testing. Allele origin: germline.
Comment: This variant is classified as likely benign based on ACMG/AMP sequence variant interpretation guidelines (Richards et al. 2015 PMID: 25741868, with internal and published modifications).

Labcorp Genetics (formerly Invitae), Labcorp
Classification: Likely benign for Ehlers-Danlos syndrome, kyphoscoliotic type 1. Last evaluated: 2025-10-22. Review status: criteria provided, single submitter. Criteria: Invitae Variant Classification Sherloc (09022015). Collection method: clinical testing. Allele origin: germline.

Ambry Genetics
Classification: Likely benign for Familial thoracic aortic aneurysm and aortic dissection. Last evaluated: 2020-02-27. Review status: criteria provided, single submitter. Criteria: Ambry Variant Classification Scheme 2023. Collection method: clinical testing. Allele origin: germline.

NM_000302.4(PLOD1):c.1608C>T (p.His536=)

Gene: PLOD1 (procollagen-lysine,2-oxoglutarate 5-dioxygenase 1; plus strand). Cytogenetic location: 1p36.22.
Variant type: single nucleotide variant.
Coding change: c.1608C>T on transcript NM_000302.4 (MANE Select); coding-DNA position 1608, C replaced by T.
Protein change: p.His536=; no amino-acid change (histidine 536 retained).
Molecular consequence: synonymous variant.
Genome position (GRCh38, 1-based): chr1:11,966,274, C>T. VCF-style: chr1-11966274-C-T. GRCh37 (hg19) VCF-style: chr1-12026331-C-T.
Other names: c.1749C>T, p.His583= (NM_001316320.2).
Identifiers: ClinVar variation 529362 (VCV000529362.12), dbSNP rs138289419, ClinGen allele CA598482.